The following is an entry in ClinVar:

NM_000552.5(VWF):c.6433C>T (p.Pro2145Ser)

Gene: VWF (von Willebrand factor; minus strand). Cytogenetic location: 12p13.31.
Variant type: single nucleotide variant.
Coding change: c.6433C>T on transcript NM_000552.5 (MANE Select); coding-DNA position 6433, C replaced by T.
Protein change: p.Pro2145Ser; replaces proline 2145 with serine.
Molecular consequence: missense variant.
Genome position (GRCh38, 1-based): chr12:5,994,027, G>A on the plus strand (C>T on the coding strand, the complement: VWF is on the minus strand). VCF-style: chr12-5994027-G-A. GRCh37 (hg19) VCF-style: chr12-6103193-G-A.
Other names: short protein forms P2145S.
Identifiers: ClinVar variation 100439 (VCV000100439.10), dbSNP rs61750618, ClinGen allele CA228740.
Genomic context (GRCh38, chr12:5,994,027, plus strand): 5'-GCTGGCAGATGGCATAGAATGTGGCTGGAGCCAGGACCTTGTGGCATTCAGCAAACAGTG[G>A]TAAGAGGAGGACCTGGCAGTGGGAGCTGTCGGGGACAAGACACTGCTCCTCCAGGATGGG-3'
Protein context (NP_000543.3, residues 2135-2155): DSSHCQVLLL[Pro2145Ser]LFAECHKVLA

ClinVar aggregate classification (germline): Uncertain significance. Review status: criteria provided, multiple submitters, no conflicts (2 of 4 stars). 5 submissions from 5 submitters: Uncertain significance (4). 1 of the submissions does not count toward it. Last evaluated 2026-06-11.

Conditions:
Thrombocytopenia. Identifiers: MedGen C0040034, MeSH D013921, MONDO:0002049, HP:0001873.

Allele frequency attached by ClinVar (database versions not stated): TOPMed 0.00002; gnomAD 0.00005; ESP Exome Variant Server 0.00008.
gnomAD v4.1: 168 of 1,614,070 alleles (0.01%); highest among the groups gnomAD compares: Middle Eastern, 0.3%; 1 homozygote.

Submissions (5):

Women's Health and Genetics/Laboratory Corporation of America, LabCorp
Classification: Uncertain significance. Last evaluated: 2026-06-11. Review status: criteria provided, single submitter. Criteria: LabCorp Variant Classification Summary - May 2015. Collection method: clinical testing. Allele origin: germline.
Comment: Variant summary: VWF c.6433C>T (p.Pro2145Ser) results in a non-conservative amino acid change in the encoded protein sequence. Algorithms developed to predict the effect of missense changes on protein structure and function are either unavailable or do not agree on the potential impact of this missense change. The variant allele was found at a frequency of 0.00014 in 251384 control chromosomes. This frequency is not significantly higher than estimated for disease-causing variants in VWF, allowing no conclusion about variant significance. c.6433C>T has been reported in the literature in at-least one presumed compound heterozygous individual with abnormal multimers (example: Goodeve_2007). However other reports have classified the variant as likely benign or rejected pathogenic out come for this variant (example: Baz_2021, Stefanucci_2023). These reports do not provide unequivocal conclusions about association of the variant with disease. To our knowledge, no experimental evidence demonstrating an impact on protein function has been reported. The following publications have been ascertained in the context of this evaluation (PMID: 34272389, 16985174, 37647632). ClinVar contains an entry for this variant (Variation ID: 100439). Based on the evidence outlined above, the variant was classified as uncertain significance.

Blueprint Genetics
Classification: Uncertain significance. Last evaluated: 2024-11-25. Review status: criteria provided, single submitter. Criteria: ACMG Guidelines, 2015. Collection method: clinical testing. Allele origin: germline.

Breakthrough Genomics
Classification: Uncertain significance. Review status: criteria provided, single submitter. Criteria: ACMG Guidelines, 2015. Collection method: not provided. Allele origin: germline. Inheritance: Autosomal recessive inheritance. Affected: yes.

ISTH-SSC Genomics in Thrombosis and Hemostasis, KU Leuven, Center for Molecular and Vascular Biology
Classification: Uncertain significance for Thrombocytopenia. Review status: criteria provided, single submitter. Criteria: ACMG Guidelines, 2015. Collection method: clinical testing. Allele origin: germline. Affected: yes. Observed: 1 compound heterozygote.
Comment: Submitted to GoldVariant by Kathleen Freson, Center for Molecular and Vascular Biology, Leuven, Belgium

Academic Unit of Haematology, University of Sheffield
No classification provided. Review status: no classification provided. Collection method: not provided. Allele origin: not provided. Not counted in ClinVar's aggregate classification.

Literature cited by the submitters: PubMed 16985174 (cited by Women's Health and Genetics/Laboratory Corporation of America, LabCorp); PubMed 34272389 (cited by Women's Health and Genetics/Laboratory Corporation of America, LabCorp); PubMed 37647632 (cited by Women's Health and Genetics/Laboratory Corporation of America, LabCorp).